The following is an entry in ClinVar:

ClinVar aggregate classification (germline): Uncertain significance (1 of 4 stars; one submission).

gnomAD v4.1: 3 of 1,613,404 alleles (0.00019%); highest among the groups gnomAD compares: Non-Finnish European, 0.00025%; no homozygotes.

Submission:

Labcorp Genetics (formerly Invitae), Labcorp
Classification: Uncertain significance. Last evaluated: 2024-09-29. Review status: criteria provided, single submitter. Criteria: Invitae Variant Classification Sherloc (09022015). Collection method: clinical testing. Allele origin: germline.
Comment: This sequence change replaces alanine, which is neutral and non-polar, with glycine, which is neutral and non-polar, at codon 1300 of the ITGB4 protein (p.Ala1300Gly). This variant is not present in population databases (gnomAD no frequency). This variant has not been reported in the literature in individuals affected with ITGB4-related conditions. Invitae Evidence Modeling of protein sequence and biophysical properties (such as structural, functional, and spatial information, amino acid conservation, physicochemical variation, residue mobility, and thermodynamic stability) has been performed for this missense variant. However, the output from this modeling did not meet the statistical confidence thresholds required to predict the impact of this variant on ITGB4 protein function. In summary, the available evidence is currently insufficient to determine the role of this variant in disease. Therefore, it has been classified as a Variant of Uncertain Significance.

NM_000213.5(ITGB4):c.3899C>G (p.Ala1300Gly)

Genes: GALK1 (galactokinase 1; minus strand), ITGB4 (integrin subunit beta 4; plus strand). Cytogenetic location: 17q25.1.
Variant type: single nucleotide variant.
Coding change: c.3899C>G on transcript NM_000213.5 (MANE Select); coding-DNA position 3899, C replaced by G.
Protein change: p.Ala1300Gly; replaces alanine 1300 with glycine.
Molecular consequence: missense variant. On other transcripts: intron variant (1).
Genome position (GRCh38, 1-based): chr17:75,752,279, C>G. VCF-style: chr17-75752279-C-G. GRCh37 (hg19) VCF-style: chr17-73748360-C-G.
Other names: c.3899C>G, p.Ala1300Gly (NM_001005619.2, NM_001005731.3, NM_001321123.2 and 1 more transcripts); c.*23-542G>C (NM_001381985.1); short protein forms A1300G.
Identifiers: ClinVar variation 3676063 (VCV003676063.2).